The following is an entry in ClinVar:

ClinVar aggregate classification (germline): Uncertain significance (1 of 4 stars; one submission).

Conditions:
Hereditary sensory and autonomic neuropathy type 6. Also called: Neuropathy, hereditary sensory and autonomic, type VI; HSAN VI. Identifiers: Orphanet 314381, MedGen C3539003, MONDO:0013839, OMIM 614653.
Epidermolysis bullosa simplex 3, localized or generalized intermediate, with BP230 deficiency (EBS3). Also called: Epidermolysis bullosa simplex due to BP230 deficiency; Epidermolysis bullosa simplex, autosomal recessive 2. Identifiers: Orphanet 412181, MedGen C3809470, MONDO:0014180, OMIM 615425.

Allele frequency attached by ClinVar (database versions not stated): gnomAD exomes below 0.00001.
gnomAD v4.1: 5 of 1,599,006 alleles (0.00031%); highest among the groups gnomAD compares: Non-Finnish European, 0.00043%; no homozygotes.

Submission:

Labcorp Genetics (formerly Invitae), Labcorp
Classification: Uncertain significance for Epidermolysis bullosa simplex 3, localized or generalized intermediate, with BP230 deficiency; Hereditary sensory and autonomic neuropathy type 6. Last evaluated: 2022-06-24. Review status: criteria provided, single submitter. Criteria: Invitae Variant Classification Sherloc (09022015). Collection method: clinical testing. Allele origin: germline.
Comment: The DST gene has multiple clinically relevant transcripts. This variant occurs in alternate transcript NM_015548.4, and corresponds to NM_001723.5:c.*141617C>A in the primary transcript. This sequence change replaces proline, which is neutral and non-polar, with threonine, which is neutral and polar, at codon 4700 of the DST protein (p.Pro4700Thr). This variant is not present in population databases (gnomAD no frequency). This variant has not been reported in the literature in individuals affected with DST-related conditions. Experimental studies and prediction algorithms are not available or were not evaluated, and the functional significance of this variant is currently unknown. In summary, the available evidence is currently insufficient to determine the role of this variant in disease. Therefore, it has been classified as a Variant of Uncertain Significance.

NM_001374736.1(DST):c.21967C>A (p.Pro7323Thr)

Gene: DST (dystonin; minus strand). Cytogenetic location: 6p12.1.
Variant type: single nucleotide variant.
Coding change: c.21967C>A on transcript NM_001374736.1 (MANE Select); coding-DNA position 21967, C replaced by A.
Protein change: p.Pro7323Thr; replaces proline 7323 with threonine.
Molecular consequence: missense variant.
Genome position (GRCh38, 1-based): chr6:56,473,900, G>T on the plus strand (C>A on the coding strand, the complement: DST is on the minus strand). VCF-style: chr6-56473900-G-T. GRCh37 (hg19) VCF-style: chr6-56338698-G-T.
Other names: c.15610C>A, p.Pro5204Thr (NM_001144769.5); c.15196C>A, p.Pro5066Thr (NM_001144770.2); c.21967C>A, p.Pro7323Thr (NM_001374722.1); c.21007C>A, p.Pro7003Thr (NM_001374729.1); c.14749C>A, p.Pro4917Thr (NM_001374730.1); c.21994C>A, p.Pro7332Thr (NM_001374734.1); c.15076C>A, p.Pro5026Thr (NM_001386100.1, NM_183380.4); c.14098C>A, p.Pro4700Thr (NM_015548.5); short protein forms P4700T, P5026T, P7003T, P4917T, P5204T, P7323T, P7332T, P5066T.
Identifiers: ClinVar variation 2147573 (VCV002147573.1), dbSNP rs2533508759, ClinGen allele CA364509546.